The following is an entry in ClinVar:

NM_000051.4(ATM):c.6698del (p.Ile2233fs)

Genes: ATM (ATM serine/threonine kinase; plus strand), C11orf65 (chromosome 11 open reading frame 65; minus strand). Cytogenetic location: 11q22.3.
Variant type: Deletion.
Coding change: c.6698del on transcript NM_000051.4 (MANE Select); coding-DNA position 6698, one base deleted (T; older notation c.6698delT).
Protein change: p.Ile2233fs; shifts the reading frame from isoleucine 2233.
Molecular consequence: frameshift variant. On other transcripts: intron variant (2).
Genome position (GRCh38, 1-based): chr11:108,325,435, T deleted. VCF-style (leftmost placement, unchanged base first): chr11-108325434-AT-A. GRCh37 (hg19) VCF-style: chr11-108196161-AT-A.
Other names: c.6698del, p.Ile2233fs (NM_001351834.2); c.641-16364del (NM_001330368.2); c.*38+9785del (NM_001351110.2); short protein forms I2233fs.
Identifiers: ClinVar variation 2830016 (VCV002830016.3), dbSNP rs2547203724, ClinGen allele CA2739265995.

ClinVar aggregate classification (germline): Pathogenic (1 of 4 stars; one submission).

Conditions:
Ataxia-telangiectasia syndrome (AT). Also called: LOUIS-BAR SYNDROME; Cerebello-oculocutaneous telangiectasia; Immunodeficiency with ataxia telangiectasia; Ataxia telangiectasia (A-T); Ataxia-telangiectasia, complementation group D; AT, COMPLEMENTATION GROUP C. Identifiers: Orphanet 100, MedGen C0004135, MONDO:0008840, OMIM 208900.

Submission:

Labcorp Genetics (formerly Invitae), Labcorp
Classification: Pathogenic for Ataxia-telangiectasia syndrome. Last evaluated: 2023-01-19. Review status: criteria provided, single submitter. Criteria: Invitae Variant Classification Sherloc (09022015). Collection method: clinical testing. Allele origin: germline.
Comment: This sequence change creates a premature translational stop signal (p.Ile2233Thrfs*2) in the ATM gene. It is expected to result in an absent or disrupted protein product. Loss-of-function variants in ATM are known to be pathogenic (PMID: 23807571, 25614872). This variant is not present in population databases (gnomAD no frequency). This variant has not been reported in the literature in individuals affected with ATM-related conditions. For these reasons, this variant has been classified as Pathogenic.

Literature cited by the submitters: PubMed 23807571; PubMed 25614872.